The following is an entry in ClinVar:

ClinVar aggregate classification (germline): Likely pathogenic (1 of 4 stars; one submission).

Conditions:
Pyruvate carboxylase deficiency. Also called: Pyruvate Carboxylase Deficiency Disease; ATAXIA WITH LACTIC ACIDOSIS II; LEIGH NECROTIZING ENCEPHALOPATHY DUE TO PYRUVATE CARBOXYLASE DEFICIENCY; LEIGH SYNDROME DUE TO PYRUVATE CARBOXYLASE DEFICIENCY; PC DEFICIENCY. Identifiers: Orphanet 3008, MedGen C0034341, MONDO:0009949, OMIM 266150.

Submission:

Labcorp Genetics (formerly Invitae), Labcorp
Classification: Likely pathogenic for Pyruvate carboxylase deficiency. Last evaluated: 2024-02-09. Review status: criteria provided, single submitter. Criteria: Invitae Variant Classification Sherloc (09022015). Collection method: clinical testing. Allele origin: germline.
Comment: This sequence change affects a splice site in intron 19 of the PC gene. It is expected to disrupt RNA splicing. Variants that disrupt the donor or acceptor splice site typically lead to a loss of protein function (PMID: 16199547), and loss-of-function variants in PC are known to be pathogenic (PMID: 12112657, 19306334). This variant is not present in population databases (gnomAD no frequency). This variant has not been reported in the literature in individuals affected with PC-related conditions. Algorithms developed to predict the effect of sequence changes on RNA splicing suggest that this variant may disrupt the consensus splice site. In summary, the currently available evidence indicates that the variant is pathogenic, but additional data are needed to prove that conclusively. Therefore, this variant has been classified as Likely Pathogenic.

Literature cited by the submitters: PubMed 16199547; PubMed 12112657; PubMed 19306334.

NM_001040716.2(PC):c.2898+2_2898+5del

Gene: PC (pyruvate carboxylase; minus strand). Cytogenetic location: 11q13.2.
Variant type: Deletion.
Coding change: c.2898+2_2898+5del on transcript NM_001040716.2 (MANE Select); the canonical splice donor site of the intron after coding-DNA position 2898 through 5 bases into the intron after coding-DNA position 2898, 4 bases deleted (TAGG; older notation c.2898+2_2898+5delTAGG).
Molecular consequence: splice donor variant.
Genome position (GRCh38, 1-based): chr11:66,849,932-66,849,935, CCTA deleted on the plus strand (TAGG on the coding strand, the reverse complement: PC is on the minus strand); deleting any 4 consecutive bases within chr11:66,849,932-66,849,938 gives the same sequence; the c. name uses the placement nearest the transcript's 3' end. VCF-style (leftmost placement, unchanged base first): chr11-66849931-CCCTA-C. GRCh37 (hg19) VCF-style: chr11-66617402-CCCTA-C.
Other names: c.2898+2_2898+5del (NM_000920.4, NM_022172.3).
Identifiers: ClinVar variation 2726361 (VCV002726361.3), dbSNP rs2495410373, ClinGen allele CA2697548752.